The following is an entry in ClinVar:

ClinVar aggregate classification (germline): Uncertain significance. Review status: criteria provided, multiple submitters, no conflicts (2 of 4 stars). 3 submissions from 3 submitters: Uncertain significance (3). Last evaluated 2024-09-19.

Conditions:
Pituitary adenoma 3, multiple types. Also called: PITUITARY ADENOMA 3, ACTH-SECRETING, SOMATIC; PITUITARY ADENOMA 3, GROWTH HORMONE-SECRETING, SOMATIC. Identifiers: MedGen C4540135, MONDO:0054665, OMIM 617686.
Pseudohypoparathyroidism type 1C (PHP1C). Also called: PSEUDOHYPOPARATHYROIDISM, TYPE IC; Pseudohypoparathyroidism Ic (PHP-Ic); PHP IC. Identifiers: Orphanet 79444, MedGen C2932716, MONDO:0012911, OMIM 612462.
Pseudohypoparathyroidism type 1B (PHP1B). Also called: Pseudohypoparathyroidism Type IB; PHP IB; Pseudohypoparathyroidism Ib (PHP-Ib). Identifiers: Orphanet 94089, MedGen C1864100, MONDO:0011301, OMIM 603233.
Pseudopseudohypoparathyroidism (PPHP). Also called: Pseudopseudohypoparathyroidism (PPHP); ALBRIGHT HEREDITARY OSTEODYSTROPHY WITHOUT MULTIPLE HORMONE RESISTANCE. Identifiers: Orphanet 79445, MedGen C0033835, MONDO:0012912, OMIM 612463.
Progressive osseous heteroplasia (POH). Also called: ECTOPIC OSSIFICATION, FAMILIAL; Osseus Heteroplasia, Progressive; Progressive Osseus Heteroplasia (POH); Osteoma cutis. Identifiers: Orphanet 2762, MedGen C0334041, MONDO:0008153, OMIM 166350, HP:0025027.
ACTH-independent macronodular adrenal hyperplasia 1 (AIMAH1). Also called: CUSHING SYNDROME, ADRENAL, DUE TO AIMAH; ADRENOCORTICOTROPIC HORMONE-INDEPENDENT MACRONODULAR ADRENAL HYPERPLASIA; ACTH-INDEPENDENT MACRONODULAR ADRENOCORTICAL HYPERPLASIA; ACTH-independent macronodular adrenal hyperplasia, somatic; CORTICOTROPIN-INDEPENDENT MACRONODULAR ADRENAL HYPERPLASIA. Identifiers: MedGen C1857451, MONDO:0020735, OMIM 219080.
Pseudohypoparathyroidism type I A (PHP1A). Also called: ALBRIGHT HEREDITARY OSTEODYSTROPHY WITH MULTIPLE HORMONE RESISTANCE; Pseudohypoparathyroidism Type IA; PHP IA; Pseudohypoparathyroidism type 1A; Pseudohypoparathyroidism Ia (PHP-Ia). Identifiers: Orphanet 79443, MedGen C3494506, MONDO:0007078, OMIM 103580.
McCune-Albright syndrome (MAS). Also called: ALBRIGHT SYNDROME; McCune-Albright syndrome, somatic, mosaic; Albright's Syndrome; Albright's disease; Fibrous Dysplasia / McCune-Albright Syndrome. Identifiers: Orphanet 562, MedGen C0242292, MONDO:0018919, OMIM 174800.

Submissions (3):

Blueprint Genetics
Classification: Uncertain significance. Last evaluated: 2024-09-19. Review status: criteria provided, single submitter. Criteria: ACMG Guidelines, 2015. Collection method: clinical testing. Allele origin: germline.

Fulgent Genetics
Classification: Uncertain significance for Pseudohypoparathyroidism type I A; Progressive osseous heteroplasia; McCune-Albright syndrome; ACTH-independent macronodular adrenal hyperplasia 1; Pseudohypoparathyroidism type 1B; Pseudohypoparathyroidism type 1C; Pseudopseudohypoparathyroidism; Pituitary adenoma 3, multiple types. Last evaluated: 2024-06-04. Review status: criteria provided, single submitter. Criteria: ACMG Guidelines, 2015. Collection method: clinical testing. Allele origin: germline.

Labcorp Genetics (formerly Invitae), Labcorp
Classification: Uncertain significance. Last evaluated: 2024-03-04. Review status: criteria provided, single submitter. Criteria: Invitae Variant Classification Sherloc (09022015). Collection method: clinical testing. Allele origin: germline.
Comment: This sequence change replaces arginine, which is basic and polar, with histidine, which is basic and polar, at codon 374 of the GNAS protein (p.Arg374His). This variant is not present in population databases (gnomAD no frequency). This variant has not been reported in the literature in individuals affected with GNAS-related conditions. ClinVar contains an entry for this variant (Variation ID: 2116501). Advanced modeling of protein sequence and biophysical properties (such as structural, functional, and spatial information, amino acid conservation, physicochemical variation, residue mobility, and thermodynamic stability) performed at Invitae indicates that this missense variant is not expected to disrupt GNAS protein function with a negative predictive value of 80%. In summary, the available evidence is currently insufficient to determine the role of this variant in disease. Therefore, it has been classified as a Variant of Uncertain Significance.

NM_000516.7(GNAS):c.1121G>A (p.Arg374His)

Gene: GNAS (GNAS complex locus; plus strand). Cytogenetic location: 20q13.32.
Variant type: single nucleotide variant.
Coding change: c.1121G>A on transcript NM_000516.7 (MANE Select); coding-DNA position 1121, G replaced by A.
Protein change: p.Arg374His; replaces arginine 374 with histidine.
Molecular consequence: missense variant. On other transcripts: 3 prime UTR variant (2).
Genome position (GRCh38, 1-based): chr20:58,910,765, G>A. VCF-style: chr20-58910765-G-A. GRCh37 (hg19) VCF-style: chr20-57485820-G-A.
Other names: c.1124G>A, p.Arg375His (NM_001077488.5); c.1076G>A, p.Arg359His (NM_001077489.4); c.*982G>A (NM_001077490.3); c.944G>A, p.Arg315His (NM_001309840.2, NM_001309861.2); c.1025G>A, p.Arg342His (NM_001410912.1); c.3005G>A, p.Arg1002His (NM_001410913.1); c.*1027G>A (NM_016592.5); c.3050G>A, p.Arg1017His (NM_080425.4); and 1 more; short protein forms R1002H, R342H, R374H, R1017H, R360H, R375H, R315H, R359H.
Identifiers: ClinVar variation 2116501 (VCV002116501.6), dbSNP rs2146306197, ClinGen allele CA409453867.
Genomic context (GRCh38, chr20:58,910,765, plus strand): 5'-ATGGGCGTCACTACTGCTACCCTCATTTCACCTGCGCTGTGGACACTGAGAACATCCGCC[G>A]TGTGTTCAACGACTGCCGTGACATCATTCAGCGCATGCACCTTCGTCAGTACGAGCTGCT-3'
Protein context (NP_000507.1, residues 364-384): TCAVDTENIR[Arg374His]VFNDCRDIIQ